The following is an entry in ClinVar:

NM_001035.3(RYR2):c.386A>G (p.Tyr129Cys)

Gene: RYR2 (ryanodine receptor 2; plus strand). Cytogenetic location: 1q43.
Variant type: single nucleotide variant.
Coding change: c.386A>G on transcript NM_001035.3 (MANE Select); coding-DNA position 386, A replaced by G.
Protein change: p.Tyr129Cys; replaces tyrosine 129 with cysteine.
Molecular consequence: missense variant.
Genome position (GRCh38, 1-based): chr1:237,374,718, A>G. VCF-style: chr1-237374718-A-G. GRCh37 (hg19) VCF-style: chr1-237538018-A-G.
Other names: short protein forms Y129C.
Identifiers: ClinVar variation 2774238 (VCV002774238.4), dbSNP rs1209334174, ClinGen allele CA072101.

ClinVar aggregate classification (germline): Uncertain significance. Review status: criteria provided, multiple submitters, no conflicts (2 of 4 stars). 2 submissions from 2 submitters: Uncertain significance (2). Last evaluated 2024-11-19.

Conditions:
Cardiomyopathy (CMYO). Also called: Cardiomyopathies. Identifiers: Orphanet 167848, MedGen C0878544, MONDO:0004994, HP:0001638. Inheritance: Various modes of inheritance.
Catecholaminergic polymorphic ventricular tachycardia 1. Also called: VENTRICULAR TACHYCARDIA, STRESS-INDUCED POLYMORPHIC 1; VENTRICULAR TACHYCARDIA, CATECHOLAMINERGIC POLYMORPHIC, 1, WITH OR WITHOUT ATRIAL DYSFUNCTION AND/OR DILATED CARDIOMYOPATHY; RYR2-Related Catecholaminergic Polymorphic Ventricular Tachycardia. Identifiers: Orphanet 3286, MedGen C1631597, MONDO:0011484, OMIM 604772.

Allele frequency attached by ClinVar (database versions not stated): TOPMed 0.00001.
gnomAD v4.1: 1 of 1,611,320 alleles (0.000062%); highest among the groups gnomAD compares: Non-Finnish European, 0.000085%; no homozygotes.

Submissions (2):

Labcorp Genetics (formerly Invitae), Labcorp
Classification: Uncertain significance for Catecholaminergic polymorphic ventricular tachycardia 1. Last evaluated: 2024-11-19. Review status: criteria provided, single submitter. Criteria: Invitae Variant Classification Sherloc (09022015). Collection method: clinical testing. Allele origin: germline.
Comment: This sequence change replaces tyrosine, which is neutral and polar, with cysteine, which is neutral and slightly polar, at codon 129 of the RYR2 protein (p.Tyr129Cys). The frequency data for this variant in the population databases is considered unreliable, as metrics indicate poor data quality at this position in the gnomAD database. This variant has not been reported in the literature in individuals affected with RYR2-related conditions. ClinVar contains an entry for this variant (Variation ID: 2774238). An algorithm developed to predict the effect of missense changes on protein structure and function (PolyPhen-2) suggests that this variant is likely to be disruptive. In summary, the available evidence is currently insufficient to determine the role of this variant in disease. Therefore, it has been classified as a Variant of Uncertain Significance.

Color Diagnostics, LLC DBA Color Health
Classification: Uncertain significance for Cardiomyopathy. Last evaluated: 2023-09-05. Review status: criteria provided, single submitter. Criteria: ACMG Guidelines, 2015. Collection method: clinical testing. Allele origin: germline.
Comment: This missense variant replaces tyrosine with cysteine at codon 129 of the RYR2 protein. Computational prediction suggests that this variant may have deleterious impact on protein structure and function (internally defined REVEL score threshold >= 0.7, PMID: 27666373). To our knowledge, functional studies have not been reported for this variant. This variant has not been reported in individuals affected with RYR2-related disorders in the literature. This variant has been identified in 1/245832 chromosomes in the general population by the Genome Aggregation Database (gnomAD). The available evidence is insufficient to determine the role of this variant in disease conclusively. Therefore, this variant is classified as a Variant of Uncertain Significance.